The following is an entry in ClinVar:

ClinVar aggregate classification (germline): Uncertain significance. Review status: criteria provided, multiple submitters, no conflicts (2 of 4 stars). 4 submissions from 4 submitters: Uncertain significance (4). Last evaluated 2024-11-01.

Conditions:
Familial adenomatous polyposis 1 (FAP1). Also called: POLYPOSIS, ADENOMATOUS INTESTINAL; FAMILIAL ADENOMATOUS POLYPOSIS 1, ATTENUATED. Identifiers: MedGen C2713442, MONDO:0021056, OMIM 175100. Disease mechanism: loss of function.
Hereditary cancer-predisposing syndrome. Also called: Neoplastic Syndromes, Hereditary; Tumor predisposition; Hereditary neoplastic syndrome; Hereditary Cancer Syndrome. Identifiers: Orphanet 140162, MedGen C0027672, MeSH D009386, MONDO:0015356.

Submissions (4):

Ambry Genetics
Classification: Uncertain significance for Hereditary cancer-predisposing syndrome. Last evaluated: 2024-11-01. Review status: criteria provided, single submitter. Criteria: Ambry Variant Classification Scheme 2023. Collection method: clinical testing. Allele origin: germline.
Comment: The p.H2090R variant (also known as c.6269A>G), located in coding exon 15 of the APC gene, results from an A to G substitution at nucleotide position 6269. The histidine at codon 2090 is replaced by arginine, an amino acid with highly similar properties. Missense alterations in APC are not a common cause of disease (Spier I et al. Genet Med. 2024 Feb;26(2):100992). This amino acid position is well conserved in available vertebrate species. In addition, in silico predictors for this gene do not accurately predict pathogenicity. Based on the available evidence, the clinical significance of this variant remains unclear.

Labcorp Genetics (formerly Invitae), Labcorp
Classification: Uncertain significance for Familial adenomatous polyposis 1. Last evaluated: 2024-10-28. Review status: criteria provided, single submitter. Criteria: Invitae Variant Classification Sherloc (09022015). Collection method: clinical testing. Allele origin: germline.
Comment: This sequence change replaces histidine, which is basic and polar, with arginine, which is basic and polar, at codon 2090 of the APC protein (p.His2090Arg). This variant is not present in population databases (gnomAD no frequency). This variant has not been reported in the literature in individuals affected with APC-related conditions. ClinVar contains an entry for this variant (Variation ID: 826279). Invitae Evidence Modeling of protein sequence and biophysical properties (such as structural, functional, and spatial information, amino acid conservation, physicochemical variation, residue mobility, and thermodynamic stability) indicates that this missense variant is not expected to disrupt APC protein function with a negative predictive value of 95%. In summary, the available evidence is currently insufficient to determine the role of this variant in disease. Therefore, it has been classified as a Variant of Uncertain Significance.

GeneDx
Classification: Uncertain significance. Last evaluated: 2020-09-08. Review status: criteria provided, single submitter. Criteria: GeneDx Variant Classification Process June 2021. Collection method: clinical testing. Allele origin: germline. Affected: yes.
Comment: Not observed in large population cohorts (Lek et al., 2016); In silico analysis supports that this missense variant does not alter protein structure/function; Has not been previously published as pathogenic or benign to our knowledge

Color Diagnostics, LLC DBA Color Health
Classification: Uncertain significance for Hereditary cancer-predisposing syndrome. Last evaluated: 2019-01-31. Review status: criteria provided, single submitter. Criteria: ACMG Guidelines, 2015. Collection method: clinical testing. Allele origin: germline.

NM_000038.6(APC):c.6269A>G (p.His2090Arg)

Gene: APC (APC regulator of Wnt signaling pathway; plus strand). Cytogenetic location: 5q22.2.
Variant type: single nucleotide variant.
Coding change: c.6269A>G on transcript NM_000038.6 (MANE Select); coding-DNA position 6269, A replaced by G.
Protein change: p.His2090Arg; replaces histidine 2090 with arginine.
Molecular consequence: missense variant.
Genome position (GRCh38, 1-based): chr5:112,841,863, A>G. VCF-style: chr5-112841863-A-G. GRCh37 (hg19) VCF-style: chr5-112177560-A-G.
Other names: c.6269A>G, p.His2090Arg (NM_001127510.3, NM_001354895.2); c.6215A>G, p.His2072Arg (NM_001127511.3); c.6323A>G, p.His2108Arg (NM_001354896.2); c.6299A>G, p.His2100Arg (NM_001354897.2); c.6194A>G, p.His2065Arg (NM_001354898.2); c.6185A>G, p.His2062Arg (NM_001354899.2); c.6146A>G, p.His2049Arg (NM_001354900.2); c.6092A>G, p.His2031Arg (NM_001354901.2); and 5 more; short protein forms H1930R, H1999R, H2108R, H1807R, H2062R, H2090R, H2031R, H2072R.
Identifiers: ClinVar variation 826279 (VCV000826279.19), dbSNP rs1580669193, ClinGen allele CA16035060.